The following is an entry in ClinVar:

ClinVar aggregate classification (germline): Uncertain significance. Review status: criteria provided, multiple submitters, no conflicts (2 of 4 stars). 7 submissions from 7 submitters: Uncertain significance (7). Last evaluated 2025-10-26.

Conditions:
Inborn genetic diseases. Identifiers: MedGen C0950123, MeSH D030342.
Hereditary cancer-predisposing syndrome. Also called: Hereditary neoplastic syndrome; Neoplastic Syndromes, Hereditary; Tumor predisposition; Hereditary Cancer Syndrome. Identifiers: Orphanet 140162, MedGen C0027672, MeSH D009386, MONDO:0015356.
Fanconi anemia (FA). Also called: Fanconi's anemia. Identifiers: Orphanet 84, MedGen C0015625, MeSH D005199, MONDO:0019391.
Spermatogenic failure 28. Identifiers: MedGen C4748117, MONDO:0054732, OMIM 618086.
Premature ovarian failure 15. Identifiers: MedGen C4748170, MONDO:0054862, OMIM 618096.
Hereditary breast ovarian cancer syndrome. Also called: Hereditary breast and/or ovarian cancer syndrome; Hereditary breast and ovarian cancer syndrome (HBOC); Breast and ovarian cancer; Hereditary breast and ovarian cancer; BRCA1- and BRCA2-Associated Hereditary Breast and Ovarian Cancer; Hereditary breast and ovarian cancer syndrome. Identifiers: Orphanet 145, MedGen C0677776, MeSH D061325, MONDO:0003582. Disease mechanism: loss of function.

Allele frequency attached by ClinVar (database versions not stated): TOPMed 0.00001; ExAC 0.00005.
gnomAD v4.1: 33 of 1,614,068 alleles (0.002%); highest among the groups gnomAD compares: East Asian, 0.065%; no homozygotes.

Submissions (7):

Quest Diagnostics Nichols Institute San Juan Capistrano
Classification: Uncertain significance. Last evaluated: 2025-10-26. Review status: criteria provided, single submitter. Criteria: Quest Diagnostics criteria. Collection method: clinical testing. Allele origin: unknown.
Comment: The FANCM c.5068G>C (p.Val1690Leu) variant has been identified in the published literature in individuals with breast cancer and reportedly unaffected individuals (PMID: 33471991 (2021), see also LOVD). The frequency of this variant in the general population (Genome Aggregation Database) is higher than would generally be expected for pathogenic variants in this gene. Analysis of this variant using bioinformatics tools for the prediction of the effect of amino acid changes on protein structure and function yielded predictions that this variant is benign. Based on the available information, we are unable to determine the clinical significance of this variant.

Labcorp Genetics (formerly Invitae), Labcorp
Classification: Uncertain significance for Fanconi anemia. Last evaluated: 2025-08-06. Review status: criteria provided, single submitter. Criteria: Invitae Variant Classification Sherloc (09022015). Collection method: clinical testing. Allele origin: germline.
Comment: This sequence change replaces valine, which is neutral and non-polar, with leucine, which is neutral and non-polar, at codon 1690 of the FANCM protein (p.Val1690Leu). This variant is present in population databases (rs752352756, gnomAD 0.06%). This variant has not been reported in the literature in individuals affected with FANCM-related conditions. ClinVar contains an entry for this variant (Variation ID: 830262). An algorithm developed to predict the effect of missense changes on protein structure and function (PolyPhen-2) suggests that this variant is likely to be tolerated. In summary, the available evidence is currently insufficient to determine the role of this variant in disease. Therefore, it has been classified as a Variant of Uncertain Significance.

Fulgent Genetics
Classification: Uncertain significance for Spermatogenic failure 28; Premature ovarian failure 15. Last evaluated: 2024-02-17. Review status: criteria provided, single submitter. Criteria: ACMG Guidelines, 2015. Collection method: clinical testing. Allele origin: germline.

GeneDx
Classification: Uncertain significance. Last evaluated: 2022-09-20. Review status: criteria provided, single submitter. Criteria: GeneDx Variant Classification Process June 2021. Collection method: clinical testing. Allele origin: germline. Affected: yes.
Comment: In silico analysis supports that this missense variant does not alter protein structure/function; Has not been previously published as pathogenic or benign to our knowledge

Sema4
Classification: Uncertain significance for Hereditary cancer-predisposing syndrome. Last evaluated: 2022-01-02. Review status: criteria provided, single submitter. Criteria: Sema4 Curation Guidelines. Collection method: curation. Allele origin: germline.
Comment: The FANCM c.5068G>C (p.V1690L) variant has been reported in a large case-control study in 7/60466 breast cancer cases and in 7/53461 controls (PMID: 33471991). It was observed in 12/19952 chromosomes of the East Asian subpopulation in the Genome Aggregation Database (PMID: 32461654). The variant has been reported in ClinVar (Variation ID 830262). Functional studies have not been performed, and in silico predictions of the variant's effect on protein function are inconclusive. The evidence is insufficient to meet ACMG/AMP criteria for classifying the variant as benign or pathogenic. Thus, the clinical significance of this variant is currently uncertain.

Ambry Genetics
Classification: Uncertain significance for Inborn genetic diseases. Last evaluated: 2021-10-06. Review status: criteria provided, single submitter. Criteria: Ambry Variant Classification Scheme 2023. Collection method: clinical testing. Allele origin: germline.

Cancer Genomics Group, Japanese Foundation For Cancer Research
Classification: Uncertain significance for Hereditary breast and ovarian cancer syndrome. Last evaluated: 2019-05-01. Review status: criteria provided, single submitter. Criteria: ACMG Guidelines, 2015. Collection method: research. Allele origin: germline. Affected: yes.

Literature cited by the submitters: PubMed 33471991 (cited by Quest Diagnostics Nichols Institute San Juan Capistrano and Sema4).

NM_020937.4(FANCM):c.5068G>C (p.Val1690Leu)

Gene: FANCM (FA complementation group M; plus strand). Cytogenetic location: 14q21.2.
Variant type: single nucleotide variant.
Coding change: c.5068G>C on transcript NM_020937.4 (MANE Select); coding-DNA position 5068, G replaced by C.
Protein change: p.Val1690Leu; replaces valine 1690 with leucine.
Molecular consequence: missense variant.
Genome position (GRCh38, 1-based): chr14:45,189,090, G>C. VCF-style: chr14-45189090-G-C. GRCh37 (hg19) VCF-style: chr14-45658293-G-C.
Other names: c.4990G>C, p.Val1664Leu (NM_001308133.2); c.5068G>C (NM_020937.3); short protein forms V1664L, V1690L.
Identifiers: ClinVar variation 830262 (VCV000830262.14), dbSNP rs752352756, ClinGen allele CA7169900.